The following is an entry in ClinVar:

ClinVar aggregate classification (germline): Pathogenic (1 of 4 stars; one submission).

Conditions:
Interstitial lung disease due to ABCA3 deficiency. Also called: PULMONARY ALVEOLAR PROTEINOSIS, CONGENITAL, 3. Identifiers: Orphanet 440402, MedGen C1970456, MONDO:0012582, OMIM 610921.

gnomAD v4.1: 1 of 1,588,378 alleles (0.000063%); highest among the groups gnomAD compares: Non-Finnish European, 0.000086%; no homozygotes.

Submission:

Myriad Genetics, Inc.
Classification: Pathogenic for Interstitial lung disease due to ABCA3 deficiency. Last evaluated: 2024-06-12. Review status: criteria provided, single submitter. Criteria: Myriad Autosomal Dominant, Autosomal Recessive and X-Linked Classification Criteria (2023). Collection method: clinical testing. Allele origin: unknown.
Comment: NM_001089.2(ABCA3):c.2764G>T(E922*) is expected to be pathogenic in the context of surfactant deficiency, ABCA3-related. This variant is predicted to lead to an abnormal or absent protein product due to the creation of a premature termination codon in ABCA3, a gene where loss-of-function variants are known to be pathogenic. Please note: this variant was assessed in the context of healthy population screening.

NM_001089.3(ABCA3):c.2764G>T (p.Glu922Ter)

Gene: ABCA3 (ATP binding cassette subfamily A member 3; minus strand). Cytogenetic location: 16p13.3.
Variant type: single nucleotide variant.
Coding change: c.2764G>T on transcript NM_001089.3 (MANE Select); coding-DNA position 2764, G replaced by T.
Protein change: p.Glu922Ter; replaces glutamic acid 922 with a stop codon.
Molecular consequence: nonsense.
Genome position (GRCh38, 1-based): chr16:2,288,266, C>A on the plus strand (G>T on the coding strand, the complement: ABCA3 is on the minus strand). VCF-style: chr16-2288266-C-A. GRCh37 (hg19) VCF-style: chr16-2338267-C-A.
Other names: short protein forms E922*.
Identifiers: ClinVar variation 5013167 (VCV005013167.1).